The following is an entry in ClinVar:

ClinVar aggregate classification (germline): Uncertain significance (1 of 4 stars; one submission).

Conditions:
Nemaline myopathy 2 (NEM2). Also called: Nemaline myopathy 2, autosomal recessive. Identifiers: MedGen C1850569, MONDO:0009725, OMIM 256030.

Allele frequency attached by ClinVar (database versions not stated): TOPMed 0.00015; gnomAD exomes 0.00008; gnomAD 0.00011.
gnomAD v4.1: 102 of 1,120,234 alleles (0.0091%); highest among the groups gnomAD compares: Middle Eastern, 0.19%; 1 homozygote.

Submission:

Breda Genetics srl
Classification: Uncertain significance for Nemaline myopathy 2. Last evaluated: 2021-03-03. Review status: criteria provided, single submitter. Criteria: ACMG Guidelines, 2015. Collection method: clinical testing. Allele origin: germline. Inheritance: Autosomal recessive inheritance. Affected: yes. Observed: 1 variant allele, 1 heterozygote.
Comment: Based on allele frequency, in-silico prediction scores and a certain overlap with the clinical phenotype, we interpreted this variant at least as of uncertain significance. The lack of one or more of the following features has discouraged further investigations: lack of a possible second hit in autosomal recessive conditions, presence of healthy controls in databases for autosomal dominant conditions, presence of unmatching cardinal clinical features in the patient or in the known gene-disease association, and/or variant type outside the known gene mutational spectrum.

NM_001164508.2(NEB):c.11077-62A>G

Gene: NEB (nebulin; minus strand). Cytogenetic location: 2q23.3.
Variant type: single nucleotide variant.
Coding change: c.11077-62A>G on transcript NM_001164508.2 (MANE Select); 62 bases into the intron before coding-DNA position 11077, A replaced by G.
Molecular consequence: intron variant.
Genome position (GRCh38, 1-based): chr2:151,617,530, T>C on the plus strand (A>G on the coding strand, the complement: NEB is on the minus strand). VCF-style: chr2-151617530-T-C. GRCh37 (hg19) VCF-style: chr2-152474044-T-C.
Other names: c.10348-62A>G (NM_004543.5); c.11077-62A>G (NM_001164507.2, NM_001271208.2).
Identifiers: ClinVar variation 1299356 (VCV001299356.2), dbSNP rs951123465, ClinGen allele CA57640311.
Genomic context (GRCh38, chr2:151,617,530, plus strand): 5'-TACAAAAAAAAAAAAAAAAGAGAGAGAGAGAGAGAAAAATTATTTTGGTGTTCACAGATA[T>C]TATTGTTTTGATTATGTGCCAGTCATCTCTCTTGTATACAAGGTAGAAATAAAATTATTA-3'